The following is an entry in ClinVar:

ClinVar aggregate classification (germline): Uncertain significance. Review status: criteria provided, multiple submitters, no conflicts (2 of 4 stars). 2 submissions from 2 submitters: Uncertain significance (2). Last evaluated 2022-11-16.

Conditions:
Inborn genetic diseases. Identifiers: MedGen C0950123, MeSH D030342.
ARMC5-related disorder. Also called: ARMC5-related condition.

Allele frequency attached by ClinVar (database versions not stated): ExAC 0.00002; gnomAD 0.00002; gnomAD exomes 0.00002; TOPMed 0.00003; ESP Exome Variant Server 0.00008.

Submissions (2):

PreventionGenetics, part of Exact Sciences
Classification: Uncertain significance for ARMC5-related condition. Last evaluated: 2022-11-16. Review status: criteria provided, single submitter. Criteria: ACMG Guidelines, 2015. Collection method: clinical testing. Allele origin: germline.
Comment: The ARMC5 c.1082G>C variant is predicted to result in the amino acid substitution p.Ser361Thr. To our knowledge, this variant has not been reported in the literature. This variant is reported in 0.0018% of alleles in individuals of European (Non-Finnish) descent in gnomAD. At this time, the clinical significance of this variant is uncertain due to the absence of conclusive functional and genetic evidence.

Ambry Genetics
Classification: Uncertain significance for Inborn genetic diseases. Last evaluated: 2021-11-15. Review status: criteria provided, single submitter. Criteria: Ambry Variant Classification Scheme 2023. Collection method: clinical testing. Allele origin: germline.

NM_001105247.2(ARMC5):c.797G>C (p.Ser266Thr)

Gene: ARMC5 (armadillo repeat containing 5; plus strand). Cytogenetic location: 16p11.2.
Variant type: single nucleotide variant.
Coding change: c.797G>C on transcript NM_001105247.2 (MANE Select); coding-DNA position 797, G replaced by C.
Protein change: p.Ser266Thr; replaces serine 266 with threonine.
Molecular consequence: missense variant.
Genome position (GRCh38, 1-based): chr16:31,462,344, G>C. VCF-style: chr16-31462344-G-C. GRCh37 (hg19) VCF-style: chr16-31473665-G-C.
Other names: c.1082G>C, p.Ser361Thr (NM_001288767.2); c.893G>C, p.Ser298Thr (NM_001301820.1); c.797G>C, p.Ser266Thr (NM_024742.2); c.1082G>C (NM_001288767.1); short protein forms S266T, S298T, S361T.
Identifiers: ClinVar variation 2260845 (VCV002260845.3), dbSNP rs377085139, ClinGen allele CA8029554.